The following is an entry in ClinVar:

ClinVar aggregate classification (germline): Pathogenic (1 of 4 stars; one submission).

Submission:

Labcorp Genetics (formerly Invitae), Labcorp
Classification: Pathogenic. Last evaluated: 2022-02-28. Review status: criteria provided, single submitter. Criteria: Invitae Variant Classification Sherloc (09022015). Collection method: clinical testing. Allele origin: germline.
Comment: This variant has not been reported in the literature in individuals affected with LCT-related conditions. This variant is present in population databases (rs753170188, gnomAD 0.0009%). This sequence change creates a premature translational stop signal (p.Leu131Cysfs*35) in the LCT gene. It is expected to result in an absent or disrupted protein product. Loss-of-function variants in LCT are known to be pathogenic (PMID: 16400612, 25881162). For these reasons, this variant has been classified as Pathogenic.

Literature cited by the submitters: PubMed 16400612; PubMed 25881162.

NM_002299.4(LCT):c.391del (p.Leu131fs)

Gene: LCT (lactase; minus strand). Cytogenetic location: 2q21.3.
Variant type: Deletion.
Coding change: c.391del on transcript NM_002299.4 (MANE Select); coding-DNA position 391, one base deleted (C; older notation c.391delC).
Protein change: p.Leu131fs; shifts the reading frame from leucine 131.
Molecular consequence: frameshift variant.
Genome position (GRCh38, 1-based): chr2:135,836,779, G deleted on the plus strand (C on the coding strand, the reverse complement: LCT is on the minus strand); the first of 2 consecutive G bases (chr2:135,836,779-135,836,780); deleting either gives the same sequence. VCF-style (leftmost placement, unchanged base first): chr2-135836778-AG-A. GRCh37 (hg19) VCF-style: chr2-136594348-AG-A.
Other names: short protein forms L131fs.
Identifiers: ClinVar variation 2104858 (VCV002104858.4), dbSNP rs753170188, ClinGen allele CA1888649.